The following is an entry in ClinVar:

NM_032223.4(PCNX3):c.1428G>A (p.Glu476=)

Gene: PCNX3 (pecanex 3; plus strand). Cytogenetic location: 11q13.1.
Variant type: single nucleotide variant.
Coding change: c.1428G>A on transcript NM_032223.4 (MANE Select); coding-DNA position 1428, G replaced by A.
Protein change: p.Glu476=; no amino-acid change (glutamic acid 476 retained).
Molecular consequence: synonymous variant.
Genome position (GRCh38, 1-based): chr11:65,618,790, G>A. VCF-style: chr11-65618790-G-A. GRCh37 (hg19) VCF-style: chr11-65386261-G-A.
Identifiers: ClinVar variation 2641964 (VCV002641964.24), dbSNP rs199504950, ClinGen allele CA6104253.

ClinVar aggregate classification (germline): Likely benign (1 of 4 stars; one submission).

Allele frequency attached by ClinVar (database versions not stated): ESP Exome Variant Server 0.00109; 1000 Genomes Project 30x 0.00172; 1000 Genomes Project 0.00200; gnomAD 0.00222; TOPMed 0.00260.
gnomAD v4.1: 617 of 1,611,472 alleles (0.038%); highest among the groups gnomAD compares: African/African-American, 0.75%; 1 homozygote.

Submission:

CeGaT Center for Human Genetics Tuebingen
Classification: Likely benign. Last evaluated: 2022-04-01. Review status: criteria provided, single submitter. Criteria: CeGaT Center For Human Genetics Tuebingen Variant Classification Criteria Version 2. Collection method: clinical testing. Allele origin: germline. Affected: yes. Observed: 1 variant allele.
Comment: PCNX3: BP4, BP7